The following is an entry in ClinVar:

NM_001231.5(CASQ1):c.769GAG[1] (p.Glu258del)

Gene: CASQ1 (calsequestrin 1; plus strand). Cytogenetic location: 1q23.2.
Variant type: Microsatellite.
Coding change: c.769GAG[1] on transcript NM_001231.5 (MANE Select); one copy of the 3-base unit GAG starting at c.769; the reference has two copies in a row; one copy, 3 bases deleted.
Protein change: p.Glu258del; deletes glutamic acid 258.
Molecular consequence: inframe deletion.
Genome position (GRCh38, 1-based): chr1:160,196,017-160,196,019, GAG deleted; deleting any 3 consecutive bases within chr1:160,196,013-160,196,019 gives the same sequence; the position shown is the placement nearest the transcript's 3' end. VCF-style (leftmost placement, unchanged base first): chr1-160196012-TGGA-T. GRCh37 (hg19) VCF-style: chr1-160165802-TGGA-T.
Other names: short protein forms E258del.
Identifiers: ClinVar variation 2630377 (VCV002630377.4), dbSNP rs747649543, ClinGen allele CA1196319.

ClinVar aggregate classification (germline): Uncertain significance. Review status: criteria provided, multiple submitters, no conflicts (2 of 4 stars). 2 submissions from 2 submitters: Uncertain significance (2). Last evaluated 2023-03-13.

Conditions:
CASQ1-related disorder. Also called: CASQ1-related condition.

Submissions (2):

PreventionGenetics, part of Exact Sciences
Classification: Uncertain significance for CASQ1-related condition. Last evaluated: 2023-03-13. Review status: criteria provided, single submitter. Criteria: ACMG Guidelines, 2015. Collection method: clinical testing. Allele origin: germline.
Comment: The CASQ1 c.772_774delGAG variant is predicted to result in an in-frame deletion (p.Glu258del). To our knowledge, this variant has not been reported in the literature. This variant is reported in 0.00088% of alleles in individuals of European (Non-Finnish) descent in gnomAD. At this time, the clinical significance of this variant is uncertain due to the absence of conclusive functional and genetic evidence.

Labcorp Genetics (formerly Invitae), Labcorp
Classification: Uncertain significance. Last evaluated: 2022-12-17. Review status: criteria provided, single submitter. Criteria: Invitae Variant Classification Sherloc (09022015). Collection method: clinical testing. Allele origin: germline.
Comment: This variant has not been reported in the literature in individuals affected with CASQ1-related conditions. In summary, the available evidence is currently insufficient to determine the role of this variant in disease. Therefore, it has been classified as a Variant of Uncertain Significance. Experimental studies and prediction algorithms are not available or were not evaluated, and the functional significance of this variant is currently unknown. This variant is present in population databases (rs747649543, gnomAD 0.0009%). This variant, c.772_774del, results in the deletion of 1 amino acid(s) of the CASQ1 protein (p.Glu258del), but otherwise preserves the integrity of the reading frame.